The following is an entry in ClinVar:

ClinVar aggregate classification (germline): Likely benign (1 of 4 stars; one submission).

Allele frequency attached by ClinVar (database versions not stated): TOPMed 0.00002; ExAC 0.00001; gnomAD 0.00001; gnomAD exomes 0.00002.
gnomAD v4.1: 44 of 1,614,084 alleles (0.0027%); highest among the groups gnomAD compares: Non-Finnish European, 0.0034%; no homozygotes.

Submission:

GeneDx
Classification: Likely benign. Last evaluated: 2016-12-14. Review status: criteria provided, single submitter. Criteria: GeneDx Variant Classification (06012015). Collection method: clinical testing. Allele origin: germline. Affected: yes.
Comment: This variant is considered likely benign or benign based on one or more of the following criteria: it is a conservative change, it occurs at a poorly conserved position in the protein, it is predicted to be benign by multiple in silico algorithms, and/or has population frequency not consistent with disease.

NM_012414.4(RAB3GAP2):c.2715C>T (p.Ser905=)

Gene: RAB3GAP2 (RAB3 GTPase activating non-catalytic protein subunit 2; minus strand). Cytogenetic location: 1q41.
Variant type: single nucleotide variant.
Coding change: c.2715C>T on transcript NM_012414.4 (MANE Select); coding-DNA position 2715, C replaced by T.
Protein change: p.Ser905=; no amino-acid change (serine 905 retained).
Molecular consequence: synonymous variant.
Genome position (GRCh38, 1-based): chr1:220,170,983, G>A on the plus strand (C>T on the coding strand, the complement: RAB3GAP2 is on the minus strand). VCF-style: chr1-220170983-G-A. GRCh37 (hg19) VCF-style: chr1-220344325-G-A.
Identifiers: ClinVar variation 391686 (VCV000391686.1), dbSNP rs775564285, ClinGen allele CA1402368.